The following is an entry in ClinVar:

ClinVar aggregate classification (germline): Conflicting classifications of pathogenicity. Review status: criteria provided, conflicting classifications (1 of 4 stars). 4 submissions from 4 submitters: Uncertain significance (1); Likely benign (2). 1 of the submissions does not count toward it. Last evaluated 2026-01-14.

Conditions:
SLC39A4-related disorder. Also called: SLC39A4-related condition.
Hereditary acrodermatitis enteropathica (AEZ). Also called: Acrodermatitis enteropathica. Identifiers: Orphanet 37, MedGen C0221036, MONDO:0008713, OMIM 201100.
Inborn genetic diseases. Identifiers: MedGen C0950123, MeSH D030342.

Allele frequency attached by ClinVar (database versions not stated): gnomAD below 0.00001 and 0.00008; TOPMed 0.00002; gnomAD exomes 0.00038; 1000 Genomes Project 30x 0.00047; ExAC 0.00050; 1000 Genomes Project 0.00060.
gnomAD v4.1: 267 of 1,595,700 alleles (0.017%); highest among the groups gnomAD compares: South Asian, 0.28%; 4 homozygotes.

Submissions (4):

Labcorp Genetics (formerly Invitae), Labcorp
Classification: Likely benign. Last evaluated: 2026-01-14. Review status: criteria provided, single submitter. Criteria: Invitae Variant Classification Sherloc (09022015). Collection method: clinical testing. Allele origin: germline.

Ambry Genetics
Classification: Uncertain significance for Inborn genetic diseases. Last evaluated: 2025-08-31. Review status: criteria provided, single submitter. Criteria: Ambry Variant Classification Scheme 2023. Collection method: clinical testing. Allele origin: germline.

PreventionGenetics, part of Exact Sciences
Classification: Likely benign for SLC39A4-related condition. Last evaluated: 2025-07-01. Review status: criteria provided, single submitter. Criteria: ACMG Guidelines, 2015. Collection method: clinical testing. Allele origin: germline.
Comment: This variant is classified as likely benign based on ACMG/AMP sequence variant interpretation guidelines (Richards et al. 2015 PMID: 25741868, with internal and published modifications).

Natera, Inc.
Classification: Uncertain significance for Acrodermatitis enteropathica. Last evaluated: 2020-02-13. Review status: no assertion criteria provided. Collection method: clinical testing. Allele origin: germline. Not counted in ClinVar's aggregate classification.

NM_130849.4(SLC39A4):c.359C>T (p.Ala120Val)

Gene: SLC39A4 (solute carrier family 39 member 4; minus strand). Cytogenetic location: 8q24.3.
Variant type: single nucleotide variant.
Coding change: c.359C>T on transcript NM_130849.4 (MANE Select); coding-DNA position 359, C replaced by T.
Protein change: p.Ala120Val; replaces alanine 120 with valine.
Molecular consequence: missense variant. On other transcripts: intron variant (1).
Genome position (GRCh38, 1-based): chr8:144,415,925, G>A on the plus strand (C>T on the coding strand, the complement: SLC39A4 is on the minus strand). VCF-style: chr8-144415925-G-A. GRCh37 (hg19) VCF-style: chr8-145641309-G-A.
Other names: c.284C>T, p.Ala95Val (NM_017767.3); c.193-506C>T (NM_001374839.1); c.359C>T (NM_130849.2); short protein forms A120V, A95V.
Identifiers: ClinVar variation 763346 (VCV000763346.13), dbSNP rs547832653, ClinGen allele CA4941728.
Genomic context (GRCh38, chr8:144,415,925, plus strand): 5'-AGGCCCGGGGTCAGGGCCTTGGGGCTCTCGAGCAGGGCCAGGAGGTGGTCTGCATGAGAG[G>A]CCCAGAGGCCAGCCCGAGCGTCCTCACAGGTGCCCTCGGGGTTGCTGAGGTACAGGACGG-3'
Protein context (NP_570901.3, residues 110-130): TCEDARAGLW[Ala120Val]SHADHLLALL